The following is an entry in ClinVar:

NM_194277.3(FRMD7):c.67T>C (p.Ser23Pro)

Gene: FRMD7 (FERM domain containing 7; minus strand). Cytogenetic location: Xq26.2.
Variant type: single nucleotide variant.
Coding change: c.67T>C on transcript NM_194277.3 (MANE Select); coding-DNA position 67, T replaced by C.
Protein change: p.Ser23Pro; replaces serine 23 with proline.
Molecular consequence: missense variant.
Genome position (GRCh38, 1-based): chrX:132,100,707, A>G on the plus strand (T>C on the coding strand, the complement: FRMD7 is on the minus strand). VCF-style: chrX-132100707-A-G. GRCh37 (hg19) VCF-style: chrX-131234735-A-G.
Other names: c.67T>C, p.Ser23Pro (NM_001306193.2); short protein forms S23P.
Identifiers: ClinVar variation 2771376 (VCV002771376.3), dbSNP rs2520849985, ClinGen allele CA414682316.

ClinVar aggregate classification (germline): Uncertain significance (1 of 4 stars; one submission).

Submission:

Labcorp Genetics (formerly Invitae), Labcorp
Classification: Uncertain significance. Last evaluated: 2023-10-23. Review status: criteria provided, single submitter. Criteria: Invitae Variant Classification Sherloc (09022015). Collection method: clinical testing. Allele origin: germline.
Comment: This sequence change replaces serine, which is neutral and polar, with proline, which is neutral and non-polar, at codon 23 of the FRMD7 protein (p.Ser23Pro). This variant is not present in population databases (gnomAD no frequency). This variant has not been reported in the literature in individuals affected with FRMD7-related conditions. Algorithms developed to predict the effect of missense changes on protein structure and function output the following: SIFT: "Not Available"; PolyPhen-2: "Benign"; Align-GVGD: "Not Available". The proline amino acid residue is found in multiple mammalian species, which suggests that this missense change does not adversely affect protein function. In summary, the available evidence is currently insufficient to determine the role of this variant in disease. Therefore, it has been classified as a Variant of Uncertain Significance.